The following is an entry in ClinVar:

ClinVar aggregate classification (germline): Uncertain significance (1 of 4 stars; one submission).

Conditions:
Joubert syndrome. Also called: CEREBELLOPARENCHYMAL DISORDER IV; JOUBERT-BOLTSHAUSER SYNDROME; Familial aplasia of the vermis. Identifiers: Orphanet 475, MedGen C5979921, MONDO:0018772.
Meckel-Gruber syndrome. Also called: DYSENCEPHALIA SPLANCHNOCYSTICA; GRUBER SYNDROME; Dysencephalia splachnocystica. Identifiers: Orphanet 564, MedGen C0265215, MONDO:0018921.

Submission:

Labcorp Genetics (formerly Invitae), Labcorp
Classification: Uncertain significance for Joubert syndrome; Meckel-Gruber syndrome. Last evaluated: 2025-09-02. Review status: criteria provided, single submitter. Criteria: Invitae Variant Classification Sherloc (09022015). Collection method: clinical testing. Allele origin: germline.
Comment: This sequence change replaces glutamine, which is neutral and polar, with histidine, which is basic and polar, at codon 349 of the MKS1 protein (p.Gln349His). This variant is not present in population databases (gnomAD no frequency). This variant has not been reported in the literature in individuals affected with MKS1-related conditions. ClinVar contains an entry for this variant (Variation ID: 2174438). Invitae Evidence Modeling of protein sequence and biophysical properties (such as structural, functional, and spatial information, amino acid conservation, physicochemical variation, residue mobility, and thermodynamic stability) indicates that this missense variant is not expected to disrupt MKS1 protein function with a negative predictive value of 80%. In summary, the available evidence is currently insufficient to determine the role of this variant in disease. Therefore, it has been classified as a Variant of Uncertain Significance.

NM_017777.4(MKS1):c.1047G>C (p.Gln349His)

Gene: MKS1 (MKS transition zone complex subunit 1; minus strand). Cytogenetic location: 17q22.
Variant type: single nucleotide variant.
Coding change: c.1047G>C on transcript NM_017777.4 (MANE Select); coding-DNA position 1047, G replaced by C.
Protein change: p.Gln349His; replaces glutamine 349 with histidine.
Molecular consequence: missense variant.
Genome position (GRCh38, 1-based): chr17:58,208,561, C>G on the plus strand (G>C on the coding strand, the complement: MKS1 is on the minus strand). VCF-style: chr17-58208561-C-G. GRCh37 (hg19) VCF-style: chr17-56285922-C-G.
Other names: c.438G>C, p.Gln146His (NM_001321268.2); c.1047G>C, p.Gln349His (NM_001321269.2, NM_001330397.2, NM_001411113.1); short protein forms Q146H, Q349H.
Identifiers: ClinVar variation 2174438 (VCV002174438.4), dbSNP rs972424896, ClinGen allele CA292009144.